The following is an entry in ClinVar:

NM_144573.4(NEXN):c.784C>T (p.Arg262Ter)

Gene: NEXN (nexilin F-actin binding protein; plus strand). Cytogenetic location: 1p31.1.
Variant type: single nucleotide variant.
Coding change: c.784C>T on transcript NM_144573.4 (MANE Select); coding-DNA position 784, C replaced by T.
Protein change: p.Arg262Ter; replaces arginine 262 with a stop codon.
Molecular consequence: nonsense.
Genome position (GRCh38, 1-based): chr1:77,926,812, C>T. VCF-style: chr1-77926812-C-T. GRCh37 (hg19) VCF-style: chr1-78392497-C-T.
Other names: c.592C>T, p.Arg198Ter (NM_001172309.2); short protein forms R262*, R198*.
Identifiers: ClinVar variation 519122 (VCV000519122.15), dbSNP rs1002648603, ClinGen allele CA24678790.

ClinVar aggregate classification (germline): Conflicting classifications of pathogenicity. Review status: criteria provided, conflicting classifications (1 of 4 stars). 4 submissions from 4 submitters: Pathogenic (1); Likely pathogenic (1); Uncertain significance (2). Last evaluated 2026-09-22.

Conditions:
Cardiovascular phenotype. Identifiers: MedGen CN230736.
Dilated cardiomyopathy 1CC (CMD1CC). Identifiers: Orphanet 154, MedGen C2751084, MONDO:0013147, OMIM 613122.
Hypertrophic cardiomyopathy 20. Identifiers: MedGen C3151267, MONDO:0013477, OMIM 613876.

Allele frequency attached by ClinVar (database versions not stated): TOPMed 0.00001.

Submissions (4):

MVZ Medizinische Genetik Mainz
Classification: Likely pathogenic for Dilated cardiomyopathy 1CC. Last evaluated: 2026-09-22. Review status: criteria provided, single submitter. Criteria: UK Practice Guidelines For Variant Classification V4 01 2020. Collection method: clinical testing. Allele origin: germline. Inheritance: Autosomal dominant inheritance. Affected: yes. Observed: 1 variant allele.
Comment: ACMG Criteria: PVS1,PM2_SUP

Labcorp Genetics (formerly Invitae), Labcorp
Classification: Pathogenic for Dilated cardiomyopathy 1CC; Hypertrophic cardiomyopathy 20. Last evaluated: 2026-01-15. Review status: criteria provided, single submitter. Criteria: Invitae Variant Classification Sherloc (09022015). Collection method: clinical testing. Allele origin: germline.
Comment: This sequence change creates a premature translational stop signal (p.Arg262*) in the NEXN gene. It is expected to result in an absent or disrupted protein product. Loss-of-function variants in NEXN are known to be pathogenic (PMID: 19881492, 32058062, 32814711, 32870709, 33949776, 38059363, 40680702). This variant is present in population databases (no rsID available, gnomAD 0.0009%). This premature translational stop signal has been observed in individual(s) with dilated cardiomyopathy (PMID: 38059363). ClinVar contains an entry for this variant (Variation ID: 519122). For these reasons, this variant has been classified as Pathogenic.

Fulgent Genetics
Classification: Uncertain significance for Dilated cardiomyopathy 1CC; Hypertrophic cardiomyopathy 20. Last evaluated: 2021-11-18. Review status: criteria provided, single submitter. Criteria: ACMG Guidelines, 2015. Collection method: clinical testing. Allele origin: unknown.

Ambry Genetics
Classification: Uncertain significance for Cardiovascular phenotype. Last evaluated: 2016-09-01. Review status: criteria provided, single submitter. Criteria: Ambry Variant Classification Scheme 2023. Collection method: clinical testing. Allele origin: germline.
Comment: The p.R262* variant (also known as c.784C>T), located in coding exon 7 of the NEXN gene, results from a C to T substitution at nucleotide position 784. This changes the amino acid from an arginine to a stop codon within coding exon 7. This variant was not reported in population-based cohorts in the following databases: Database of Single Nucleotide Polymorphisms (dbSNP), Exome Aggregataion Consortium (ExAC), NHLBI Exome Sequencing Project (ESP), and 1000 Genomes Project. In the ESP, this variant was not observed in 5942 samples (11884 alleles) with coverage at this position. This alteration is expected to result in loss of function by premature protein truncation or nonsense-mediated mRNA decay. However, loss of function of NEXN has not been clearly established as a mechanism of disease. Since supporting evidence is limited at this time, the clinical significance of this alteration remains unclear.

Literature cited by the submitters: PubMed 19881492 (cited by Labcorp Genetics (formerly Invitae), Labcorp and Ambry Genetics); PubMed 32058062 (cited by Labcorp Genetics (formerly Invitae), Labcorp); PubMed 32814711 (cited by Labcorp Genetics (formerly Invitae), Labcorp); PubMed 32870709 (cited by Labcorp Genetics (formerly Invitae), Labcorp); PubMed 33949776 (cited by Labcorp Genetics (formerly Invitae), Labcorp); PubMed 38059363 (cited by Labcorp Genetics (formerly Invitae), Labcorp); PubMed 40680702 (cited by Labcorp Genetics (formerly Invitae), Labcorp); PubMed 20970104 (cited by Ambry Genetics).